The following is an entry in ClinVar:

ClinVar aggregate classification (germline): Uncertain significance (1 of 4 stars; one submission).

Submission:

Labcorp Genetics (formerly Invitae), Labcorp
Classification: Uncertain significance. Last evaluated: 2025-05-11. Review status: criteria provided, single submitter. Criteria: Invitae Variant Classification Sherloc (09022015). Collection method: clinical testing. Allele origin: germline.
Comment: This variant, c.1781_1783del, results in the deletion of 1 amino acid(s) of the GEN1 protein (p.Ser594del), but otherwise preserves the integrity of the reading frame. This variant is present in population databases (rs757148617, gnomAD 0.09%), and has an allele count higher than expected for a pathogenic variant. This variant has not been reported in the literature in individuals affected with GEN1-related conditions. Experimental studies and prediction algorithms are not available or were not evaluated, and the functional significance of this variant is currently unknown. In summary, the available evidence is currently insufficient to determine the role of this variant in disease. Therefore, it has been classified as a Variant of Uncertain Significance.

NM_001130009.3(GEN1):c.1778CTT[1] (p.Ser594del)

Gene: GEN1 (GEN1 structure-specific endonuclease; plus strand). Cytogenetic location: 2p24.2.
Variant type: Microsatellite.
Coding change: c.1778CTT[1] on transcript NM_001130009.3 (MANE Select); one copy of the 3-base unit CTT starting at c.1778; the reference has two copies in a row; one copy, 3 bases deleted.
Protein change: p.Ser594del; deletes serine 594.
Molecular consequence: inframe deletion.
Genome position (GRCh38, 1-based): chr2:17,780,993-17,780,995, CTT deleted; deleting any 3 consecutive bases within chr2:17,780,990-17,780,995 gives the same sequence; the position shown is the placement nearest the transcript's 3' end. VCF-style (leftmost placement, unchanged base first): chr2-17780989-ACTT-A. GRCh37 (hg19) VCF-style: chr2-17962256-ACTT-A.
Other names: c.1778CTT[1], p.Ser594del (NM_182625.5); short protein forms S594del.
Identifiers: ClinVar variation 1000939 (VCV001000939.8), dbSNP rs757148617, ClinGen allele CA1540828.